The following is an entry in ClinVar:

ClinVar aggregate classification (germline): Conflicting classifications of pathogenicity. Review status: criteria provided, conflicting classifications (1 of 4 stars). 3 submissions from 3 submitters: Uncertain significance (2); Likely benign (1). Last evaluated 2026-03-01.

Conditions:
Intellectual developmental disorder, autosomal recessive 37. Also called: Intellectual disability-hypotonia-spasticity-sleep disorder syndrome. Identifiers: Orphanet 356996, MedGen C3809672, MONDO:0014210, OMIM 615493.

Allele frequency attached by ClinVar (database versions not stated): gnomAD 0.00024; TOPMed 0.00023; 1000 Genomes Project 0.00040; 1000 Genomes Project 30x 0.00047; gnomAD exomes 0.00024 and 0.00028; ESP Exome Variant Server 0.00038; ExAC 0.00029.
gnomAD v4.1: 381 of 1,613,916 alleles (0.024%); highest among the groups gnomAD compares: South Asian, 0.04%; 1 homozygote.

Submissions (3):

CeGaT Center for Human Genetics Tuebingen
Classification: Likely benign. Last evaluated: 2026-03-01. Review status: criteria provided, single submitter. Criteria: CeGaT Center For Human Genetics Tuebingen Variant Classification Criteria Version 2. Collection method: clinical testing. Allele origin: germline. Affected: yes. Observed: 6 variant alleles.
Comment: ANK3: BP4, BS1

Labcorp Genetics (formerly Invitae), Labcorp
Classification: Uncertain significance. Last evaluated: 2026-02-01. Review status: criteria provided, single submitter. Criteria: Invitae Variant Classification Sherloc (09022015). Collection method: clinical testing. Allele origin: germline.
Comment: This sequence change replaces serine, which is neutral and polar, with leucine, which is neutral and non-polar, at codon 1994 of the ANK3 protein (p.Ser1994Leu). This variant is present in population databases (rs141251507, gnomAD 0.05%), including at least one homozygous and/or hemizygous individual. This variant has not been reported in the literature in individuals affected with ANK3-related conditions. ClinVar contains an entry for this variant (Variation ID: 872694). Invitae Evidence Modeling of protein sequence and biophysical properties (such as structural, functional, and spatial information, amino acid conservation, physicochemical variation, residue mobility, and thermodynamic stability) indicates that this missense variant is not expected to disrupt ANK3 protein function with a negative predictive value of 80%. In summary, the available evidence is currently insufficient to determine the role of this variant in disease. Therefore, it has been classified as a Variant of Uncertain Significance.

Department of Human Genetics, Hannover Medical School
Classification: Uncertain significance for Intellectual developmental disorder, autosomal recessive 37. Last evaluated: 2024-10-11. Review status: criteria provided, single submitter. Criteria: ACMG Guidelines, 2015. Collection method: clinical testing. Allele origin: germline. Affected: yes.
Comment: ACMG: PP2, BP4_Moderate

NM_020987.5(ANK3):c.5981C>T (p.Ser1994Leu)

Gene: ANK3 (ankyrin 3; minus strand). Cytogenetic location: 10q21.2.
Variant type: single nucleotide variant.
Coding change: c.5981C>T on transcript NM_020987.5 (MANE Select); coding-DNA position 5981, C replaced by T.
Protein change: p.Ser1994Leu; replaces serine 1994 with leucine.
Molecular consequence: missense variant. On other transcripts: intron variant (4).
Genome position (GRCh38, 1-based): chr10:60,074,900, G>A on the plus strand (C>T on the coding strand, the complement: ANK3 is on the minus strand). VCF-style: chr10-60074900-G-A. GRCh37 (hg19) VCF-style: chr10-61834658-G-A.
Other names: c.4387+5637C>T (NM_001204403.2); c.4408+5637C>T (NM_001204404.2); c.4405+5637C>T (NM_001320874.2); c.1807+5637C>T (NM_001149.4); short protein forms S1994L.
Identifiers: ClinVar variation 872694 (VCV000872694.46), dbSNP rs141251507, ClinGen allele CA5511939.